The following is an entry in ClinVar:

ClinVar aggregate classification (germline): Uncertain significance (1 of 4 stars; one submission).

Allele frequency attached by ClinVar (database versions not stated): gnomAD exomes below 0.00001.
gnomAD v4.1: 2 of 1,611,654 alleles (0.00012%); highest among the groups gnomAD compares: Non-Finnish European, 0.000085%; no homozygotes.

Submission:

Labcorp Genetics (formerly Invitae), Labcorp
Classification: Uncertain significance. Last evaluated: 2022-02-15. Review status: criteria provided, single submitter. Criteria: Invitae Variant Classification Sherloc (09022015). Collection method: clinical testing. Allele origin: germline.
Comment: This sequence change replaces serine, which is neutral and polar, with asparagine, which is neutral and polar, at codon 1479 of the KIAA1549 protein (p.Ser1479Asn). This variant is not present in population databases (gnomAD no frequency). This variant has not been reported in the literature in individuals affected with KIAA1549-related conditions. Algorithms developed to predict the effect of missense changes on protein structure and function are either unavailable or do not agree on the potential impact of this missense change (SIFT: "Deleterious"; PolyPhen-2: "Probably Damaging"; Align-GVGD: "Class C0"). In summary, the available evidence is currently insufficient to determine the role of this variant in disease. Therefore, it has been classified as a Variant of Uncertain Significance.

NM_001164665.2(KIAA1549):c.4436G>A (p.Ser1479Asn)

Gene: KIAA1549 (KIAA1549; minus strand). Cytogenetic location: 7q34.
Variant type: single nucleotide variant.
Coding change: c.4436G>A on transcript NM_001164665.2 (MANE Select); coding-DNA position 4436, G replaced by A.
Protein change: p.Ser1479Asn; replaces serine 1479 with asparagine.
Molecular consequence: missense variant.
Genome position (GRCh38, 1-based): chr7:138,871,272, C>T on the plus strand (G>A on the coding strand, the complement: KIAA1549 is on the minus strand). VCF-style: chr7-138871272-C-T. GRCh37 (hg19) VCF-style: chr7-138556018-C-T.
Other names: c.4436G>A, p.Ser1479Asn (NM_020910.3); short protein forms S1479N.
Identifiers: ClinVar variation 2097747 (VCV002097747.4), dbSNP rs2485481340, ClinGen allele CA369374792.